The following is an entry in ClinVar:

NM_014363.6(SACS):c.2597A>G (p.Lys866Arg)

Gene: SACS (sacsin molecular chaperone; minus strand). Cytogenetic location: 13q12.12.
Variant type: single nucleotide variant.
Coding change: c.2597A>G on transcript NM_014363.6 (MANE Select); coding-DNA position 2597, A replaced by G.
Protein change: p.Lys866Arg; replaces lysine 866 with arginine.
Molecular consequence: missense variant.
Genome position (GRCh38, 1-based): chr13:23,341,279, T>C on the plus strand (A>G on the coding strand, the complement: SACS is on the minus strand). VCF-style: chr13-23341279-T-C. GRCh37 (hg19) VCF-style: chr13-23915418-T-C.
Other names: c.2156A>G, p.Lys719Arg (NM_001278055.2); short protein forms K719R, K866R.
Identifiers: ClinVar variation 1033690 (VCV001033690.5), dbSNP rs761960824, ClinGen allele CA6911661.

ClinVar aggregate classification (germline): Conflicting classifications of pathogenicity. Review status: criteria provided, conflicting classifications (1 of 4 stars). 2 submissions from 2 submitters: Uncertain significance (1); Benign (1). Last evaluated 2023-07-15.

Conditions:
Charlevoix-Saguenay spastic ataxia (SACS). Also called: AUTOSOMAL RECESSIVE SPASTIC ATAXIA OF CHARLEVOIX-SAGUENAY; Spastic ataxia of Charlevoix-Saguenay; SPASTIC ATAXIA 6, AUTOSOMAL RECESSIVE. Identifiers: Orphanet 98, MedGen C1849140, MONDO:0010041, OMIM 270550.
Spastic paraplegia. Identifiers: MedGen C0037772, HP:0001258.

Allele frequency attached by ClinVar (database versions not stated): ExAC 0.00002; gnomAD exomes 0.00002 and 0.00004; TOPMed 0.00002.

Submissions (2):

Labcorp Genetics (formerly Invitae), Labcorp
Classification: Benign for Spastic paraplegia. Last evaluated: 2023-07-15. Review status: criteria provided, single submitter. Criteria: Invitae Variant Classification Sherloc (09022015). Collection method: clinical testing. Allele origin: germline.

Baylor Genetics
Classification: Uncertain significance for Charlevoix-Saguenay spastic ataxia. Last evaluated: 2018-03-25. Review status: criteria provided, single submitter. Criteria: ACMG Guidelines, 2015. Collection method: clinical testing. Allele origin: unknown. Affected: yes.
Comment: This variant was determined to be of uncertain significance according to ACMG Guidelines, 2015 [PMID:25741868].